The following is an entry in ClinVar:

ClinVar aggregate classification (germline): Benign. Review status: reviewed by expert panel (3 of 4 stars). 3 submissions from 3 submitters: Benign (1). 2 of the submissions do not count toward it. Last evaluated 2024-06-24.

Conditions:
Hereditary thrombocytopenia and hematologic cancer predisposition syndrome. Identifiers: Orphanet 71290, MedGen CN281654, MONDO:0011071.

Allele frequency attached by ClinVar (database versions not stated): 1000 Genomes Project 30x 0.51843; 1000 Genomes Project 0.52316; TOPMed 0.53485; gnomAD 0.53494 and 0.53695.
gnomAD v4.1: 441,219 of 848,280 alleles (52%); highest among the groups gnomAD compares: African/African-American, 58%; 116,639 homozygotes.

Submissions (3):

ClinGen Myeloid Malignancy Variant Curation Expert Panel
Classification: Benign for Hereditary thrombocytopenia and hematologic cancer predisposition syndrome. Last evaluated: 2024-06-24. Review status: reviewed by expert panel. Criteria: ClinGen MyeloMalig ACMG Specifications v2. Collection method: curation. Allele origin: germline. Inheritance: Autosomal dominant inheritance.
Comment: NM_001754.5(RUNX1):c.968-134A>G is an intronic variant. The highest population minor allele frequency in gnomAD v3.1.2 is 0.5821 (23805/40896 alleles) in African/African American population, which is higher than the ClinGen MMVCEP threshold (0.0015) for BA1, and therefore meets this criterion (BA1). Clinvar has an entry for this variant (Variation ID 1247287). This variant is located in intron 8 and is not predicted by spliceAI to impact splicing (0.0). In addition, it occurs at a nucleotide that is not conserved as shown by phyloP100 (BP4, BP7). In summary, this variant meets criteria to be classified as benign. ACMG/AMP criteria applied, as specified by the Myeloid Malignancy Variant Curation Expert Panel for RUNX1: BA1, BP4, BP7.

GeneDx
Classification: Benign. Last evaluated: 2018-06-22. Review status: criteria provided, single submitter. Criteria: GeneDx Variant Classification Process June 2021. Collection method: clinical testing. Allele origin: germline. Affected: yes. Not counted in ClinVar's aggregate classification.

Breakthrough Genomics
Classification: Benign. Review status: criteria provided, single submitter. Criteria: ACMG Guidelines, 2015. Collection method: not provided. Allele origin: germline. Inheritance: Autosomal dominant inheritance. Affected: yes. Not counted in ClinVar's aggregate classification.

NM_001754.5(RUNX1):c.968-134A>G

Gene: RUNX1 (RUNX family transcription factor 1; minus strand). Cytogenetic location: 21q22.12.
Variant type: single nucleotide variant.
Coding change: c.968-134A>G on transcript NM_001754.5 (MANE Select); 134 bases into the intron before coding-DNA position 968, A replaced by G.
Molecular consequence: intron variant.
Genome position (GRCh38, 1-based): chr21:34,792,744, T>C on the plus strand (A>G on the coding strand, the complement: RUNX1 is on the minus strand). VCF-style: chr21-34792744-T-C. GRCh37 (hg19) VCF-style: chr21-36165041-T-C.
Other names: c.887-134A>G (NM_001001890.3).
Identifiers: ClinVar variation 1247287 (VCV001247287.4), dbSNP rs11700756, ClinGen allele CA14860292.